The following is an entry in ClinVar:

NM_021922.3(FANCE):c.1405T>C (p.Phe469Leu)

Gene: FANCE (FA complementation group E; plus strand). Cytogenetic location: 6p21.31.
Variant type: single nucleotide variant.
Coding change: c.1405T>C on transcript NM_021922.3 (MANE Select); coding-DNA position 1405, T replaced by C.
Protein change: p.Phe469Leu; replaces phenylalanine 469 with leucine.
Molecular consequence: missense variant. On other transcripts: intron variant (1).
Genome position (GRCh38, 1-based): chr6:35,462,810, T>C. VCF-style: chr6-35462810-T-C. GRCh37 (hg19) VCF-style: chr6-35430587-T-C.
Other names: c.1316+3050T>C (NM_001410876.1); short protein forms F469L.
Identifiers: ClinVar variation 4748864 (VCV004748864.1).
Genomic context (GRCh38, chr6:35,462,810, plus strand): 5'-CTTTCTTGTGATTACTGCTCCATCTCCCAATGTGTGCAGGTGGAGATGACCCCTGAGAAG[T>C]TCAGTGTCTTAATGGAGAAGCTCTGTAAAAAGGGGCTGGCAGCCACCACCTCCATGGCCT-3'
Protein context (NP_068741.1, residues 459-479): ERQVEMTPEK[Phe469Leu]SVLMEKLCKK

ClinVar aggregate classification (germline): Uncertain significance (1 of 4 stars; one submission).

Conditions:
Fanconi anemia complementation group E (FANCE). Also called: FANCE-Related Fanconi Anemia. Identifiers: Orphanet 84, MedGen C3160739, MONDO:0010953, OMIM 600901.

gnomAD v4.1: 1 of 1,614,140 alleles (0.000062%); highest among the groups gnomAD compares: East Asian, 0.0022%; no homozygotes.

Submission:

Labcorp Genetics (formerly Invitae), Labcorp
Classification: Uncertain significance for Fanconi anemia complementation group E. Last evaluated: 2025-09-15. Review status: criteria provided, single submitter. Criteria: Invitae Variant Classification Sherloc (09022015). Collection method: clinical testing. Allele origin: germline.
Comment: This sequence change replaces phenylalanine, which is neutral and non-polar, with leucine, which is neutral and non-polar, at codon 469 of the FANCE protein (p.Phe469Leu). This variant is not present in population databases (gnomAD no frequency). This variant has not been reported in the literature in individuals affected with FANCE-related conditions. Invitae Evidence Modeling of protein sequence and biophysical properties (such as structural, functional, and spatial information, amino acid conservation, physicochemical variation, residue mobility, and thermodynamic stability) indicates that this missense variant is not expected to disrupt FANCE protein function with a negative predictive value of 80%. In summary, the available evidence is currently insufficient to determine the role of this variant in disease. Therefore, it has been classified as a Variant of Uncertain Significance.